The following is an entry in ClinVar:

NM_022436.3(ABCG5):c.1567A>G (p.Ile523Val)

Genes: ABCG5 (ATP binding cassette subfamily G member 5; minus strand), DYNC2LI1 (dynein cytoplasmic 2 light intermediate chain 1; plus strand). Cytogenetic location: 2p21.
Variant type: single nucleotide variant.
Coding change: c.1567A>G on transcript NM_022436.3 (MANE Select); coding-DNA position 1567, A replaced by G.
Protein change: p.Ile523Val; replaces isoleucine 523 with valine.
Molecular consequence: missense variant. On other transcripts: intron variant (2).
Genome position (GRCh38, 1-based): chr2:43,819,997, T>C on the plus strand (A>G on the coding strand, the complement: ABCG5 is on the minus strand). VCF-style: chr2-43819997-T-C. GRCh37 (hg19) VCF-style: chr2-44047136-T-C.
Other names: p.Ile523Val; c.*16-7389T>C (NM_001348913.2, NM_001348912.2); short protein forms I523V.
Identifiers: ClinVar variation 502765 (VCV000502765.50), dbSNP rs140899003, ClinGen allele CA1636229.
Genomic context (GRCh38, chr2:43,819,997, plus strand): 5'-GCACCCCCGCAATGGACAGCAGAGCCACTACACTGTTGACTATATTTGGATTTTGGACGA[T>C]ACCAAGTAGCACAAGAGTTAGAAATTCACCAATTAAGTGGGGGGCCAAGAGAGCAGCAGA-3'
Protein context (NP_071881.1, residues 513-533): GEFLTLVLLG[Ile523Val]VQNPNIVNSV

ClinVar aggregate classification (germline): Conflicting classifications of pathogenicity. Review status: criteria provided, conflicting classifications (1 of 4 stars). 12 submissions from 12 submitters: Uncertain significance (1); Benign (2); Likely benign (6). 3 of the submissions do not count toward it. Last evaluated 2026-08-01.

Conditions:
Cardiovascular phenotype. Identifiers: MedGen CN230736.
ABCG5-related disorder. Also called: ABCG5-related condition.
Sitosterolemia 1. Identifiers: MedGen C2749759, MONDO:0020747, OMIM 210250.
Sitosterolemia (STSL). Also called: PHYTOSTEROLEMIA. Identifiers: Orphanet 2882, MedGen C0342907, MONDO:0008863.

Allele frequency attached by ClinVar (database versions not stated): 1000 Genomes Project 30x 0.00062; gnomAD exomes 0.00170 and 0.00191; ExAC 0.00169; ESP Exome Variant Server 0.00185; gnomAD 0.00185 and 0.00189; 1000 Genomes Project 0.00040; TOPMed 0.00124.
gnomAD v4.1: 3,060 of 1,614,184 alleles (0.19%); highest among the groups gnomAD compares: Non-Finnish European, 0.21%; 10 homozygotes.

Submissions (12):

CeGaT Center for Human Genetics Tuebingen
Classification: Likely benign. Last evaluated: 2026-08-01. Review status: criteria provided, single submitter. Criteria: CeGaT Center For Human Genetics Tuebingen Variant Classification Criteria Version 2. Collection method: clinical testing. Allele origin: germline. Affected: yes. Observed: 5 variant alleles.
Comment: ABCG5: BP4, BS2

Women's Health and Genetics/Laboratory Corporation of America, LabCorp
Classification: Likely benign. Last evaluated: 2026-06-29. Review status: criteria provided, single submitter. Criteria: LabCorp Variant Classification Summary - May 2015. Collection method: clinical testing. Allele origin: germline.
Comment: Variant summary: ABCG5 c.1567A>G (p.Ile523Val) results in a conservative amino acid change in the encoded protein sequence. Algorithms developed to predict the effect of missense changes on protein structure and function all suggest that this variant is likely to be tolerated. The variant allele was found at a frequency of 0.0017 in 251426 control chromosomes, predominantly at a frequency of 0.0058 within the Finnish subpopulation in the gnomAD database, including 3 homozygotes. The observed variant frequency within Finnish control individuals in the gnomAD database exceeds the estimated maximal expected allele frequency for disease-causing variants in ABCG5. c.1567A>G has been reported in the literaturein at-least one patient suspected of partial lipodystrophy without strong evidence for causality (example: Johansen_2014). These report(s) do not provide unequivocal conclusions about association of the variant with Early Onset Coronary Artery Disease. To our knowledge, no experimental evidence demonstrating an impact on protein function has been reported. The following publications have been ascertained in the context of this evaluation (PMID: 24503134, 32088153). ClinVar contains an entry for this variant (Variation ID: 502765). Based on the evidence outlined above, the variant was classified as likely benign.

Labcorp Genetics (formerly Invitae), Labcorp
Classification: Benign for Sitosterolemia. Last evaluated: 2026-02-01. Review status: criteria provided, single submitter. Criteria: Invitae Variant Classification Sherloc (09022015). Collection method: clinical testing. Allele origin: germline.

Mayo Clinic Laboratories, Mayo Clinic
Classification: Likely benign. Last evaluated: 2024-09-18. Review status: criteria provided, single submitter. Criteria: ACMG Guidelines, 2015. Collection method: clinical testing. Allele origin: germline. Observed: 12 variant alleles.
Comment: BS1_supporting, BS2, BP4, PM1_supporting

Genetic Services Laboratory, University of Chicago
Classification: Likely benign. Last evaluated: 2021-06-17. Review status: criteria provided, single submitter. Criteria: ACMG Guidelines, 2015. Collection method: clinical testing. Allele origin: germline. Affected: no.

GeneDx
Classification: Likely benign. Last evaluated: 2020-07-30. Review status: criteria provided, single submitter. Criteria: GeneDx Variant Classification Process June 2021. Collection method: clinical testing. Allele origin: germline. Affected: yes.
Comment: This variant is associated with the following publications: (PMID: 24503134)

Ambry Genetics
Classification: Benign for Cardiovascular phenotype. Last evaluated: 2019-07-12. Review status: criteria provided, single submitter. Criteria: Ambry Variant Classification Scheme 2023. Collection method: clinical testing. Allele origin: germline.

Eurofins Ntd Llc (ga)
Classification: Likely benign. Last evaluated: 2017-06-29. Review status: criteria provided, single submitter. Criteria: EGL Classification Definitions 2015. Collection method: clinical testing. Allele origin: germline. Observed: 2 variant alleles, 2 heterozygotes.

Illumina Laboratory Services, Illumina
Classification: Uncertain significance for Sitosterolemia 1. Last evaluated: 2017-04-27. Review status: criteria provided, single submitter. Criteria: ICSL Variant Classification Criteria 13 December 2019. Collection method: clinical testing. Allele origin: germline.
Comment: This variant was observed as part of a predisposition screen in an ostensibly healthy population. A literature search was performed for the gene, cDNA change, and amino acid change (where applicable). Publications were found based on this search. However, the evidence from the literature, in combination with allele frequency data from public databases where available, was not sufficient to rule this variant in or out of causing disease. Therefore, this variant is classified as a variant of unknown significance.

PreventionGenetics, part of Exact Sciences
Classification: Likely benign for ABCG5-related condition. Last evaluated: 2019-05-07. Review status: no assertion criteria provided. Collection method: clinical testing. Allele origin: germline. Not counted in ClinVar's aggregate classification.
Comment: This variant is classified as likely benign based on ACMG/AMP sequence variant interpretation guidelines (Richards et al. 2015 PMID: 25741868, with internal and published modifications).

Clinical Genetics, Academic Medical Center
Classification: Benign. Review status: no assertion criteria provided. Collection method: clinical testing. Allele origin: germline. Affected: yes. Study: VKGL Data-share Consensus. Not counted in ClinVar's aggregate classification.

Genome Diagnostics Laboratory, University Medical Center Utrecht
Classification: Likely benign. Review status: no assertion criteria provided. Collection method: clinical testing. Allele origin: germline. Affected: yes. Study: VKGL Data-share Consensus. Not counted in ClinVar's aggregate classification.

Literature cited by the submitters: PubMed 24503134 (cited by Women's Health and Genetics/Laboratory Corporation of America, LabCorp and Eurofins Ntd Llc (ga)); PubMed 32088153 (cited by Women's Health and Genetics/Laboratory Corporation of America, LabCorp); PubMed 11668628 (cited by Illumina Laboratory Services, Illumina).